The following is an entry in ClinVar:

NM_000260.4(MYO7A):c.1974C>A (p.Tyr658Ter)

Gene: MYO7A (myosin VIIA; plus strand). Cytogenetic location: 11q13.5.
Variant type: single nucleotide variant.
Coding change: c.1974C>A on transcript NM_000260.4 (MANE Select); coding-DNA position 1974, C replaced by A.
Protein change: p.Tyr658Ter; replaces tyrosine 658 with a stop codon.
Molecular consequence: nonsense.
Genome position (GRCh38, 1-based): chr11:77,174,794, C>A. VCF-style: chr11-77174794-C-A. GRCh37 (hg19) VCF-style: chr11-76885840-C-A.
Other names: c.1974C>A, p.Tyr658Ter (NM_001127180.2); c.1941C>A, p.Tyr647Ter (NM_001369365.1); short protein forms Y647*, Y658*.
Identifiers: ClinVar variation 983801 (VCV000983801.3), dbSNP rs1954477050, ClinGen allele CA381939191.

ClinVar aggregate classification (germline): Likely pathogenic (1 of 4 stars; one submission).

Conditions:
Usher syndrome type 1 (USH1). Also called: RETINITIS PIGMENTOSA AND CONGENITAL DEAFNESS. Identifiers: Orphanet 231169, Orphanet 886, MedGen C1568247, MONDO:0010168, OMIM 276900.

Allele frequency attached by ClinVar (database versions not stated): gnomAD exomes below 0.00001.
gnomAD v4.1: 1 of 1,610,394 alleles (0.000062%); highest among the groups gnomAD compares: South Asian, 0.0011%; no homozygotes.

Submission:

Myriad Genetics, Inc.
Classification: Likely pathogenic for Usher syndrome type 1. Last evaluated: 2019-12-29. Review status: criteria provided, single submitter. Criteria: Myriad Women's Health Autosomal Recessive and X-Linked Classification Criteria (2019). Collection method: clinical testing. Allele origin: unknown.
Comment: NM_000260.3(MYO7A):c.1974C>A(Y658*) is expected to be pathogenic in the context of MYO7A-related disorders. This variant is predicted to lead to an abnormal or absent protein product due to the creation of a premature termination codon in MYO7A, a gene where loss-of-function variants are known to be pathogenic. Please note: this variant was assessed in the context of healthy population screening.